The following is an entry in ClinVar:

NM_032608.7(MYO18B):c.1854G>A (p.Val618=)

Gene: MYO18B (myosin XVIIIB; plus strand). Cytogenetic location: 22q12.1.
Variant type: single nucleotide variant.
Coding change: c.1854G>A on transcript NM_032608.7 (MANE Select); coding-DNA position 1854, G replaced by A.
Protein change: p.Val618=; no amino-acid change (valine 618 retained).
Molecular consequence: synonymous variant.
Genome position (GRCh38, 1-based): chr22:25,772,495, G>A. VCF-style: chr22-25772495-G-A. GRCh37 (hg19) VCF-style: chr22-26168462-G-A.
Other names: c.1854G>A, p.Val618= (NM_001318245.2).
Identifiers: ClinVar variation 713671 (VCV000713671.14), dbSNP rs368417901, ClinGen allele CA10159970.

ClinVar aggregate classification (germline): Likely benign. Review status: criteria provided, multiple submitters, no conflicts (2 of 4 stars). 4 submissions from 4 submitters: Likely benign (4). Last evaluated 2026-04-01.

Conditions:
MYO18B-related disorder. Also called: MYO18B-related condition.

Allele frequency attached by ClinVar (database versions not stated): 1000 Genomes Project 30x 0.00016; ESP Exome Variant Server 0.00033; ExAC 0.00042; gnomAD exomes 0.00052 and 0.00107; TOPMed 0.00054; gnomAD 0.00060 and 0.00063.
gnomAD v4.1: 1,666 of 1,613,702 alleles (0.1%); highest among the groups gnomAD compares: Non-Finnish European, 0.13%; no homozygotes.

Submissions (4):

CeGaT Center for Human Genetics Tuebingen
Classification: Likely benign. Last evaluated: 2026-04-01. Review status: criteria provided, single submitter. Criteria: CeGaT Center For Human Genetics Tuebingen Variant Classification Criteria Version 2. Collection method: clinical testing. Allele origin: germline. Affected: yes. Observed: 1 variant allele.
Comment: MYO18B: BP4, BP7

Labcorp Genetics (formerly Invitae), Labcorp
Classification: Likely benign. Last evaluated: 2026-01-19. Review status: criteria provided, single submitter. Criteria: Invitae Variant Classification Sherloc (09022015). Collection method: clinical testing. Allele origin: germline.

PreventionGenetics, part of Exact Sciences
Classification: Likely benign for MYO18B-related condition. Last evaluated: 2024-12-31. Review status: criteria provided, single submitter. Criteria: ACMG Guidelines, 2015. Collection method: clinical testing. Allele origin: germline.
Comment: This variant is classified as likely benign based on ACMG/AMP sequence variant interpretation guidelines (Richards et al. 2015 PMID: 25741868, with internal and published modifications).

Blueprint Genetics
Classification: Likely benign. Last evaluated: 2024-11-21. Review status: criteria provided, single submitter. Criteria: ACMG Guidelines, 2015. Collection method: clinical testing. Allele origin: germline.